The following is an entry in ClinVar:

NM_000138.5(FBN1):c.3854A>C (p.Asp1285Ala)

Gene: FBN1 (fibrillin 1; minus strand). Cytogenetic location: 15q21.1.
Variant type: single nucleotide variant.
Coding change: c.3854A>C on transcript NM_000138.5 (MANE Select); coding-DNA position 3854, A replaced by C.
Protein change: p.Asp1285Ala; replaces aspartic acid 1285 with alanine.
Molecular consequence: missense variant.
Genome position (GRCh38, 1-based): chr15:48,481,765, T>G on the plus strand (A>C on the coding strand, the complement: FBN1 is on the minus strand). VCF-style: chr15-48481765-T-G. GRCh37 (hg19) VCF-style: chr15-48773962-T-G.
Other names: c.3854A>C, p.Asp1285Ala (NM_001406716.1); short protein forms D1285A.
Identifiers: ClinVar variation 4635371 (VCV004635371.2).

ClinVar aggregate classification (germline): Uncertain significance. Review status: criteria provided, multiple submitters, no conflicts (2 of 4 stars). 2 submissions from 2 submitters: Uncertain significance (2). Last evaluated 2025-11-24.

Conditions:
Familial thoracic aortic aneurysm and aortic dissection (TAAD). Also called: Thoracic aortic aneurysms and dissections. Identifiers: Orphanet 91387, MedGen C4707243, MONDO:0019625.
Marfan syndrome (MFS). Also called: MARFAN SYNDROME, TYPE I; Marfan syndrome type 1; Marfan's syndrome; Marfan syndrome, classic; FBN1-Related Marfan Syndrome. Identifiers: Orphanet 284963, Orphanet 558, MedGen C0024796, MONDO:0007947, OMIM 154700.

Submissions (2):

Ambry Genetics
Classification: Uncertain significance for Familial thoracic aortic aneurysm and aortic dissection. Last evaluated: 2025-11-24. Review status: criteria provided, single submitter. Criteria: Ambry Variant Classification Scheme 2023. Collection method: clinical testing. Allele origin: germline.
Comment: The p.D1285A variant (also known as c.3854A>C), located in coding exon 31 of the FBN1 gene, results from an A to C substitution at nucleotide position 3854. The aspartic acid at codon 1285 is replaced by alanine, an amino acid with dissimilar properties. This amino acid position is well conserved in available vertebrate species. In addition, the in silico prediction for this alteration is inconclusive. Based on the available evidence, the clinical significance of this variant remains unclear.

Labcorp Genetics (formerly Invitae), Labcorp
Classification: Uncertain significance for Marfan syndrome; Familial thoracic aortic aneurysm and aortic dissection. Last evaluated: 2025-07-04. Review status: criteria provided, single submitter. Criteria: Invitae Variant Classification Sherloc (09022015). Collection method: clinical testing. Allele origin: germline.
Comment: This sequence change replaces aspartic acid, which is acidic and polar, with alanine, which is neutral and non-polar, at codon 1285 of the FBN1 protein (p.Asp1285Ala). This variant is not present in population databases (gnomAD no frequency). This variant has not been reported in the literature in individuals affected with FBN1-related conditions. Invitae Evidence Modeling of protein sequence and biophysical properties (such as structural, functional, and spatial information, amino acid conservation, physicochemical variation, residue mobility, and thermodynamic stability) has been performed for this missense variant. However, the output from this modeling did not meet the statistical confidence thresholds required to predict the impact of this variant on FBN1 protein function. In summary, the available evidence is currently insufficient to determine the role of this variant in disease. Therefore, it has been classified as a Variant of Uncertain Significance.